The following is an entry in ClinVar:

NM_000135.4(FANCA):c.1236G>A (p.Ala412=)

Gene: FANCA (FA complementation group A; minus strand). Cytogenetic location: 16q24.3.
Variant type: single nucleotide variant.
Coding change: c.1236G>A on transcript NM_000135.4 (MANE Select); coding-DNA position 1236, G replaced by A.
Protein change: p.Ala412=; no amino-acid change (alanine 412 retained).
Molecular consequence: synonymous variant.
Genome position (GRCh38, 1-based): chr16:89,791,526, C>T on the plus strand (G>A on the coding strand, the complement: FANCA is on the minus strand). VCF-style: chr16-89791526-C-T. GRCh37 (hg19) VCF-style: chr16-89857934-C-T.
Other names: c.1236G>A, p.Ala412= (NM_001286167.3); c.1236G>A (NM_000135.2).
Identifiers: ClinVar variation 1090994 (VCV001090994.19), dbSNP rs371993688, ClinGen allele CA8252432.

ClinVar aggregate classification (germline): Likely benign. Review status: criteria provided, multiple submitters, no conflicts (2 of 4 stars). 5 submissions from 5 submitters: Likely benign (5). Last evaluated 2026-01-12.

Conditions:
Inborn genetic diseases. Identifiers: MedGen C0950123, MeSH D030342.
Fanconi anemia complementation group A (FANCA). Also called: Fanconi anemia, group A; FANCA-Related Fanconi Anemia. Identifiers: Orphanet 84, MedGen C3469521, MONDO:0009215, OMIM 227650.
Fanconi anemia (FA). Also called: Fanconi's anemia. Identifiers: Orphanet 84, MedGen C0015625, MeSH D005199, MONDO:0019391.

Allele frequency attached by ClinVar (database versions not stated): ExAC 0.00001; gnomAD exomes 0.00001 and 0.00002; gnomAD 0.00002; TOPMed 0.00005; ESP Exome Variant Server 0.00008.
gnomAD v4.1: 32 of 1,613,966 alleles (0.002%); highest among the groups gnomAD compares: Non-Finnish European, 0.0025%; no homozygotes.

Submissions (5):

Labcorp Genetics (formerly Invitae), Labcorp
Classification: Likely benign for Fanconi anemia. Last evaluated: 2026-01-12. Review status: criteria provided, single submitter. Criteria: Invitae Variant Classification Sherloc (09022015). Collection method: clinical testing. Allele origin: germline.

CeGaT Center for Human Genetics Tuebingen
Classification: Likely benign. Last evaluated: 2025-04-01. Review status: criteria provided, single submitter. Criteria: CeGaT Center For Human Genetics Tuebingen Variant Classification Criteria Version 2. Collection method: clinical testing. Allele origin: germline. Affected: yes. Observed: 1 variant allele.
Comment: FANCA: BP4, BP7

Ambry Genetics
Classification: Likely benign for Inborn genetic diseases. Last evaluated: 2024-11-25. Review status: criteria provided, single submitter. Criteria: Ambry Variant Classification Scheme 2023. Collection method: clinical testing. Allele origin: germline.

Blueprint Genetics
Classification: Likely benign. Last evaluated: 2023-09-08. Review status: criteria provided, single submitter. Criteria: ACMG Guidelines, 2015. Collection method: clinical testing. Allele origin: germline.

Fulgent Genetics
Classification: Likely benign for Fanconi anemia complementation group A. Last evaluated: 2022-02-04. Review status: criteria provided, single submitter. Criteria: ACMG Guidelines, 2015. Collection method: clinical testing. Allele origin: unknown.